The following is an entry in ClinVar:

NM_000552.5(VWF):c.1870G>A (p.Gly624Ser)

Gene: VWF (von Willebrand factor; minus strand). Cytogenetic location: 12p13.31.
Variant type: single nucleotide variant.
Coding change: c.1870G>A on transcript NM_000552.5 (MANE Select); coding-DNA position 1870, G replaced by A.
Protein change: p.Gly624Ser; replaces glycine 624 with serine.
Molecular consequence: missense variant.
Genome position (GRCh38, 1-based): chr12:6,056,932, C>T on the plus strand (G>A on the coding strand, the complement: VWF is on the minus strand). VCF-style: chr12-6056932-C-T. GRCh37 (hg19) VCF-style: chr12-6166098-C-T.
Other names: c.1870G>A (NM_000552.4); short protein forms G624S.
Identifiers: ClinVar variation 619737 (VCV000619737.23), dbSNP rs542226383, ClinGen allele CA6403247.

ClinVar aggregate classification (germline): Conflicting classifications of pathogenicity. Review status: criteria provided, conflicting classifications (1 of 4 stars). 4 submissions from 4 submitters: Uncertain significance (2); Likely benign (1). 1 of the submissions does not count toward it. Last evaluated 2025-12-01.

Conditions:
VWF-related disorder. Also called: VWF-related disorders; VWF-related condition.

Allele frequency attached by ClinVar (database versions not stated): ExAC 0.00009; gnomAD exomes 0.00039; 1000 Genomes Project 0.00160; TOPMed 0.00015; gnomAD 0.00019 and 0.00013; 1000 Genomes Project 30x 0.00156.
gnomAD v4.1: 125 of 1,535,284 alleles (0.0081%); highest among the groups gnomAD compares: East Asian, 0.27%; 1 homozygote.

Submissions (4):

Women's Health and Genetics/Laboratory Corporation of America, LabCorp
Classification: Likely benign. Last evaluated: 2025-12-01. Review status: criteria provided, single submitter. Criteria: LabCorp Variant Classification Summary - May 2015. Collection method: clinical testing. Allele origin: germline.
Comment: Variant summary: VWF c.1870G>A (p.Gly624Ser) results in a non-conservative amino acid change located in the VWF/SSPO/Zonadhesin-like, cysteine-rich domain (IPR014853) of the encoded protein sequence. Algorithms developed to predict the effect of missense changes on protein structure and function are either unavailable or do not agree on the potential impact of this missense change. The variant allele was found at a frequency of 0.00039 in 131258 control chromosomes, predominantly at a frequency of 0.0047 within the East Asian subpopulation in the gnomAD database, including 1 homozygote. The observed variant frequency within East Asian control individuals in the gnomAD database exceeds the estimated maximal expected allele frequency for disease-causing variants in VWF. c.1870G>A has been reported in the literature in at least one compound heterozygous individual carrying a known second pathogenic variant who was affected with Von Willebrand Disease Type 2a (Liang_2017). However, since this individual was adopted, it is unknown if disease was autosomal dominant or recessive in nature. Therefore, these data do not allow any conclusion about variant significance. To our knowledge, no experimental evidence demonstrating an impact on protein function has been reported. The following publications have been ascertained in the context of this evaluation (PMID: 28536718, 37647632). ClinVar contains an entry for this variant (Variation ID: 619737). Based on the evidence outlined above, the variant was classified as likely benign.

GeneDx
Classification: Uncertain significance. Last evaluated: 2024-12-20. Review status: criteria provided, single submitter. Criteria: GeneDx Variant Classification Process June 2021. Collection method: clinical testing. Allele origin: germline.
Comment: Reported in the published literature in association with von Willebrand disease (PMID: 28536718); Also listed in a large scale study assessing variants associated with bleeding, thrombotic and platelet disorders in the UK Biobank cohort; no patient specific details were specified in this publication (PMID: 37647632); In silico analysis indicates that this missense variant does not alter protein structure/function; This variant is associated with the following publications: (PMID: 28536718, 37845247, 37647632)

Quest Diagnostics Nichols Institute San Juan Capistrano
Classification: Uncertain significance. Last evaluated: 2024-01-22. Review status: criteria provided, single submitter. Criteria: Quest Diagnostics criteria. Collection method: clinical testing. Allele origin: unknown.
Comment: The VWF c.1870G>A (p.Gly624Ser) variant has been reported in the published literature in an individual with type 2A Von Willebrand disease; this individual was compound heterozygous for the variant (PMID: 28536718 (2017)). The frequency of this variant in the general population, 0.0049 (59/12076 chromosomes (Genome Aggregation Database)), is uninformative in the assessment of its pathogenicity. Analysis of this variant using bioinformatics tools for the prediction of the effect of amino acid changes on protein structure and function yielded predictions that this variant is benign. Based on the available information, we are unable to determine the clinical significance of this variant.

PreventionGenetics, part of Exact Sciences
Classification: Uncertain significance for VWF-related condition. Last evaluated: 2024-04-02. Review status: no assertion criteria provided. Collection method: clinical testing. Allele origin: germline. Not counted in ClinVar's aggregate classification.
Comment: The VWF c.1870G>A variant is predicted to result in the amino acid substitution p.Gly624Ser. This variant has been reported in an individual with Von Willebrand disease 2a (Liang et al. 2017. PubMed ID: 28536718). This variant is reported in 0.49% of alleles in individuals of East Asian descent including one homozygote in gnomAD. At this time, the clinical significance of this variant is uncertain due to the absence of conclusive functional and genetic evidence.

Literature cited by the submitters: PubMed 28536718 (cited by Women's Health and Genetics/Laboratory Corporation of America, LabCorp and Quest Diagnostics Nichols Institute San Juan Capistrano); PubMed 37647632 (cited by Women's Health and Genetics/Laboratory Corporation of America, LabCorp); PubMed 37845247 (cited by Quest Diagnostics Nichols Institute San Juan Capistrano).